The following is an entry in ClinVar:

ClinVar aggregate classification (germline): Pathogenic (1 of 4 stars; one submission).

Conditions:
Polycystic kidney disease, adult type (PKD1). Also called: Polycystic Kidney, Autosomal Dominant; POLYCYSTIC KIDNEY DISEASE 1 WITH OR WITHOUT POLYCYSTIC LIVER DISEASE; Polycystic Kidney Disease 1, Autosomal Dominant; Polycystic kidney disease 1; Polycystic kidney disease 1, severe; POLYCYSTIC KIDNEY DISEASE, ADULT, TYPE I. Identifiers: MedGen C3149841, MONDO:0008263, OMIM 173900.

Submission:

MVZ Medizinische Genetik Mainz
Classification: Pathogenic for Polycystic kidney disease, adult type. Last evaluated: 2023-03-09. Review status: criteria provided, single submitter. Criteria: UK Practice Guidelines For Variant Classification V4 01 2020. Collection method: clinical testing. Allele origin: germline. Inheritance: Autosomal dominant inheritance. Affected: yes. Observed: 1 variant allele.
Comment: ACMG Criteria: PVS1,PM2_SUP,PP4

NM_001009944.3(PKD1):c.9185_9188dup (p.Phe3064fs)

Gene: PKD1 (polycystin 1, transient receptor potential channel interacting; minus strand). Cytogenetic location: 16p13.3.
Variant type: Duplication.
Coding change: c.9185_9188dup on transcript NM_001009944.3 (MANE Select); coding-DNA positions 9185 to 9188, 4 bases duplicated (TCCG; older notation c.9185_9188dupTCCG).
Protein change: p.Phe3064fs; shifts the reading frame from phenylalanine 3064.
Molecular consequence: frameshift variant.
Genome position (GRCh38, 1-based): chr16:2,102,394-2,102,397, CGGA duplicated on the plus strand (TCCG on the coding strand, the reverse complement: PKD1 is on the minus strand); duplicating any 4 consecutive bases within chr16:2,102,394-2,102,398 gives the same sequence; the c. name uses the placement nearest the transcript's 3' end. VCF-style (leftmost placement, unchanged base first): chr16-2102393-G-GCGGA. GRCh37 (hg19) VCF-style: chr16-2152394-G-GCGGA.
Other names: c.9185_9188dup, p.Phe3064fs (NM_000296.4); short protein forms F3064fs.
Identifiers: ClinVar variation 3068381 (VCV003068381.1), dbSNP rs2544732354, ClinGen allele CA2825002365.
Genomic context (GRCh38, chr16:2,102,393, plus strand): 5'-GGCCCTCCTCGACTCTGCAGAGGCTCCCAGGAGCACAGGGTCACTCACAGGAAACACAAA[G>GCGGA]CGGACATGGCTTGGGGGCACGAAGAGGCTGGCGCCGAAGGCGGTGAGGTGGCGGGTGAGG-3'